The following is an entry in ClinVar:

NM_006295.3(VARS1):c.879T>G (p.Ser293Arg)

Gene: VARS1 (valyl-tRNA synthetase 1; minus strand). Cytogenetic location: 6p21.33.
Variant type: single nucleotide variant.
Coding change: c.879T>G on transcript NM_006295.3 (MANE Select); coding-DNA position 879, T replaced by G.
Protein change: p.Ser293Arg; replaces serine 293 with arginine.
Molecular consequence: missense variant.
Genome position (GRCh38, 1-based): chr6:31,791,964, A>C on the plus strand (T>G on the coding strand, the complement: VARS1 is on the minus strand). VCF-style: chr6-31791964-A-C. GRCh37 (hg19) VCF-style: chr6-31759741-A-C.
Other names: short protein forms S293R.
Identifiers: ClinVar variation 4851643 (VCV004851643.1).

ClinVar aggregate classification (germline): Uncertain significance (1 of 4 stars; one submission).

gnomAD v4.1: 138 of 1,589,384 alleles (0.0087%); highest among the groups gnomAD compares: Non-Finnish European, 0.011%; no homozygotes.

Submission:

Greenwood Genetic Center Diagnostic Laboratories, Greenwood Genetic Center
Classification: Uncertain significance. Last evaluated: 2025-02-03. Review status: criteria provided, single submitter. Criteria: ACMG Guidelines, 2015. Collection method: clinical testing. Allele origin: germline.
Comment: PM2, BP4, PP2